The following is an entry in ClinVar:

ClinVar aggregate classification (germline): Uncertain significance (1 of 4 stars; one submission).

Conditions:
Methylmalonic acidemia with homocystinuria, type cblJ (MAHCJ). Also called: METHYLMALONIC ACIDURIA AND HOMOCYSTINURIA, cblJ TYPE. Identifiers: Orphanet 369955, MedGen C3553915, MONDO:0013925, OMIM 614857.

Allele frequency attached by ClinVar (database versions not stated): gnomAD exomes below 0.00001; gnomAD 0.00001.

Submission:

Labcorp Genetics (formerly Invitae), Labcorp
Classification: Uncertain significance for Methylmalonic acidemia with homocystinuria, type cblJ. Last evaluated: 2023-10-17. Review status: criteria provided, single submitter. Criteria: Invitae Variant Classification Sherloc (09022015). Collection method: clinical testing. Allele origin: germline.
Comment: This sequence change falls in intron 3 of the ABCD4 gene. It does not directly change the encoded amino acid sequence of the ABCD4 protein. It affects a nucleotide within the consensus splice site. The frequency data for this variant in the population databases is considered unreliable, as metrics indicate poor data quality at this position in the gnomAD database. This variant has not been reported in the literature in individuals affected with ABCD4-related conditions. Variants that disrupt the consensus splice site are a relatively common cause of aberrant splicing (PMID: 17576681, 9536098). Algorithms developed to predict the effect of sequence changes on RNA splicing suggest that this variant is not likely to affect RNA splicing. In summary, the available evidence is currently insufficient to determine the role of this variant in disease. Therefore, it has been classified as a Variant of Uncertain Significance.

Literature cited by the submitters: PubMed 17576681; PubMed 9536098.

NM_005050.4(ABCD4):c.286-3C>T

Gene: ABCD4 (ATP binding cassette subfamily D member 4; minus strand). Cytogenetic location: 14q24.3.
Variant type: single nucleotide variant.
Coding change: c.286-3C>T on transcript NM_005050.4 (MANE Select); 3 bases into the intron before coding-DNA position 286, C replaced by T.
Molecular consequence: intron variant.
Genome position (GRCh38, 1-based): chr14:74,298,072, G>A on the plus strand (C>T on the coding strand, the complement: ABCD4 is on the minus strand). VCF-style: chr14-74298072-G-A. GRCh37 (hg19) VCF-style: chr14-74764775-G-A.
Other names: c.-409-3C>T (NM_001353607.2, NM_001353603.2, NM_001353606.2 and 3 more transcripts); c.-192-3C>T (NM_001353598.2, NM_001353600.2); c.25-3C>T (NM_001353594.2, NM_001353593.2); c.-269-1623C>T (NM_001353604.2); c.-52-1623C>T (NM_001353601.2); c.-124-3C>T (NM_001353597.2, NM_001353596.2, NM_001353595.2); c.-265+1476C>T (NM_001353608.2); c.-53+1476C>T (NM_020324.3, NM_001353599.2); and 2 more.
Identifiers: ClinVar variation 2865129 (VCV002865129.3), dbSNP rs1467449930, ClinGen allele CA615019647.